The following is an entry in ClinVar:

NM_017654.4(SAMD9):c.3695T>C (p.Val1232Ala)

Gene: SAMD9 (sterile alpha motif domain containing 9; minus strand). Cytogenetic location: 7q21.2.
Variant type: single nucleotide variant.
Coding change: c.3695T>C on transcript NM_017654.4 (MANE Select); coding-DNA position 3695, T replaced by C.
Protein change: p.Val1232Ala; replaces valine 1232 with alanine.
Molecular consequence: missense variant.
Genome position (GRCh38, 1-based): chr7:93,102,403, A>G on the plus strand (T>C on the coding strand, the complement: SAMD9 is on the minus strand). VCF-style: chr7-93102403-A-G. GRCh37 (hg19) VCF-style: chr7-92731716-A-G.
Other names: c.3695T>C, p.Val1232Ala (NM_001193307.2); short protein forms V1232A.
Identifiers: ClinVar variation 3949690 (VCV003949690.1).

ClinVar aggregate classification (germline): Uncertain significance (1 of 4 stars; one submission).

Conditions:
Inborn genetic diseases. Identifiers: MedGen C0950123, MeSH D030342.

gnomAD v4.1: 7 of 1,611,638 alleles (0.00043%); highest among the groups gnomAD compares: Non-Finnish European, 0.00059%; no homozygotes.

Submission:

Ambry Genetics
Classification: Uncertain significance for Inborn genetic diseases. Last evaluated: 2025-05-31. Review status: criteria provided, single submitter. Criteria: Ambry Variant Classification Scheme 2023. Collection method: clinical testing. Allele origin: germline.
Comment: The p.V1232A variant (also known as c.3695T>C), located in coding exon 1 of the SAMD9 gene, results from a T to C substitution at nucleotide position 3695. The valine at codon 1232 is replaced by alanine, an amino acid with similar properties. This amino acid position is conserved. In addition, this alteration is predicted to be tolerated by in silico analysis. Based on the available evidence, the clinical significance of this variant remains unclear.